The following is an entry in ClinVar:

NM_206933.4(USH2A):c.11516del (p.Gln3839fs)

Gene: USH2A (usherin; minus strand). Cytogenetic location: 1q41.
Variant type: Deletion.
Coding change: c.11516del on transcript NM_206933.4 (MANE Select); coding-DNA position 11516, one base deleted (A; older notation c.11516delA).
Protein change: p.Gln3839fs; shifts the reading frame from glutamine 3839.
Molecular consequence: frameshift variant.
Genome position (GRCh38, 1-based): chr1:215,743,209, T deleted on the plus strand (A on the coding strand, the reverse complement: USH2A is on the minus strand). VCF-style (leftmost placement, unchanged base first): chr1-215743208-CT-C. GRCh37 (hg19) VCF-style: chr1-215916550-CT-C.
Other names: short protein forms Q3839fs.
Identifiers: ClinVar variation 1377611 (VCV001377611.7), dbSNP rs1558078416, ClinGen allele CA529002163.

ClinVar aggregate classification (germline): Pathogenic. Review status: criteria provided, single submitter (1 of 4 stars). 2 submissions from 2 submitters: Pathogenic (1). 1 of the submissions does not count toward it. Last evaluated 2021-07-18.

Conditions:
Usher syndrome type 2. Also called: Usher Syndrome Type II. Identifiers: Orphanet 231178, MedGen C0339534, MONDO:0016484.

Allele frequency attached by ClinVar (database versions not stated): gnomAD exomes 0.00001.

Submissions (2):

Labcorp Genetics (formerly Invitae), Labcorp
Classification: Pathogenic. Last evaluated: 2021-07-18. Review status: criteria provided, single submitter. Criteria: Invitae Variant Classification Sherloc (09022015). Collection method: clinical testing. Allele origin: germline.
Comment: For these reasons, this variant has been classified as Pathogenic. Algorithms developed to predict the effect of sequence changes on RNA splicing suggest that this variant may create or strengthen a splice site. This variant has not been reported in the literature in individuals affected with USH2A-related conditions. This variant is not present in population databases (ExAC no frequency). This sequence change creates a premature translational stop signal (p.Gln3839Argfs*4) in the USH2A gene. It is expected to result in an absent or disrupted protein product. Loss-of-function variants in USH2A are known to be pathogenic (PMID: 10729113, 10909849, 20507924, 25649381).

Ophthalmo-Genetics Lab, Instituto de Oftalmologia Conde de Valenciana
Classification: Pathogenic for Usher syndrome type 2. Last evaluated: 2022-11-14. Review status: no assertion criteria provided. Collection method: clinical testing. Allele origin: germline. Inheritance: Autosomal recessive inheritance. Affected: yes. Observed: 1 compound heterozygote. Not counted in ClinVar's aggregate classification.
Comment: Novel pathogenic variant. PVS1, PM2, PP5.

Literature cited by the submitters: PubMed 10729113 (cited by Labcorp Genetics (formerly Invitae), Labcorp); PubMed 10909849 (cited by Labcorp Genetics (formerly Invitae), Labcorp); PubMed 20507924 (cited by Labcorp Genetics (formerly Invitae), Labcorp); PubMed 25649381 (cited by Labcorp Genetics (formerly Invitae), Labcorp); PubMed 35076463 (cited by Ophthalmo-Genetics Lab, Instituto de Oftalmologia Conde de Valenciana).